The following is an entry in ClinVar:

ClinVar aggregate classification (germline): Likely benign. Review status: criteria provided, single submitter (1 of 4 stars). 2 submissions from 2 submitters: Likely benign (1). 1 of the submissions does not count toward it. Last evaluated 2024-11-01.

Conditions:
JARID2-related disorder. Also called: JARID2-related condition.

Allele frequency attached by ClinVar (database versions not stated): ExAC 0.00030; gnomAD 0.00036; TOPMed 0.00047; ESP Exome Variant Server 0.00054; gnomAD exomes 0.00060.
gnomAD v4.1: 907 of 1,613,910 alleles (0.056%); highest among the groups gnomAD compares: Non-Finnish European, 0.075%; no homozygotes.

Submissions (2):

CeGaT Center for Human Genetics Tuebingen
Classification: Likely benign. Last evaluated: 2024-11-01. Review status: criteria provided, single submitter. Criteria: CeGaT Center For Human Genetics Tuebingen Variant Classification Criteria Version 2. Collection method: clinical testing. Allele origin: germline. Affected: yes. Observed: 1 variant allele.
Comment: JARID2: BP4, BP7

PreventionGenetics, part of Exact Sciences
Classification: Likely benign for JARID2-related condition. Last evaluated: 2019-10-28. Review status: no assertion criteria provided. Collection method: clinical testing. Allele origin: germline. Not counted in ClinVar's aggregate classification.
Comment: This variant is classified as likely benign based on ACMG/AMP sequence variant interpretation guidelines (Richards et al. 2015 PMID: 25741868, with internal and published modifications).

NM_004973.4(JARID2):c.2118C>T (p.Leu706=)

Gene: JARID2 (jumonji and AT-rich interaction domain containing 2; plus strand). Cytogenetic location: 6p22.3.
Variant type: single nucleotide variant.
Coding change: c.2118C>T on transcript NM_004973.4 (MANE Select); coding-DNA position 2118, C replaced by T.
Protein change: p.Leu706=; no amino-acid change (leucine 706 retained).
Molecular consequence: synonymous variant.
Genome position (GRCh38, 1-based): chr6:15,501,079, C>T. VCF-style: chr6-15501079-C-T. GRCh37 (hg19) VCF-style: chr6-15501310-C-T.
Other names: c.1602C>T, p.Leu534= (NM_001267040.1).
Identifiers: ClinVar variation 3045138 (VCV003045138.16), dbSNP rs149364410, ClinGen allele CA3643054.